The following is an entry in ClinVar:

NM_001365536.1(SCN9A):c.3002A>G (p.Tyr1001Cys)

Genes: SCN9A (sodium voltage-gated channel alpha subunit 9; minus strand), SCN1A-AS1 (SCN1A and SCN9A antisense RNA 1; plus strand). Cytogenetic location: 2q24.3.
Variant type: single nucleotide variant.
Coding change: c.3002A>G on transcript NM_001365536.1 (MANE Select); coding-DNA position 3002, A replaced by G.
Protein change: p.Tyr1001Cys; replaces tyrosine 1001 with cysteine.
Molecular consequence: missense variant.
Genome position (GRCh38, 1-based): chr2:166,272,748, T>C on the plus strand (A>G on the coding strand, the complement: SCN9A is on the minus strand). VCF-style: chr2-166272748-T-C. GRCh37 (hg19) VCF-style: chr2-167129258-T-C.
Other names: c.2969A>G, p.Tyr990Cys (NM_002977.4); short protein forms Y990C, Y1001C.
Identifiers: ClinVar variation 130260 (VCV000130260.63), dbSNP rs199692186, ClinGen allele CA231497.

ClinVar aggregate classification (germline): Conflicting classifications of pathogenicity. Review status: criteria provided, conflicting classifications (1 of 4 stars). 17 submissions from 15 submitters: Uncertain significance (7); Benign (2); Likely benign (4). 4 of the submissions do not count toward it. Last evaluated 2026-06-01.

Conditions:
Self-limited epilepsy with centrotemporal spikes. Also called: Rolandic epilepsy; Childhood epilepsy with centrotemporal spikes. Identifiers: Orphanet 1945, MedGen C0376532, MONDO:0007295.
Neuropathy, hereditary sensory and autonomic, type 2A (HSAN2A). Also called: MORVAN DISEASE; NEUROPATHY, CONGENITAL SENSORY; NEUROPATHY, HEREDITARY SENSORY RADICULAR, AUTOSOMAL RECESSIVE; NEUROPATHY, HEREDITARY SENSORY, TYPE IIA; NEUROPATHY, PROGRESSIVE SENSORY, OF CHILDREN; HSAN IIA. Identifiers: Orphanet 970, MedGen C2752089, MONDO:0024309, OMIM 201300.
Generalized epilepsy with febrile seizures plus, type 7 (GEFSP7). Also called: GEFS+, TYPE 7. Identifiers: Orphanet 36387, MedGen C2751778, MONDO:0013470, OMIM 613863.
Inborn genetic diseases. Identifiers: MedGen C0950123, MeSH D030342.
Primary erythromelalgia. Also called: primary erythermalgia; SCN9A Erythromelalgia (SCN9A-EM). Identifiers: Orphanet 306577, Orphanet 90026, MedGen C0014805, MONDO:0007571, OMIM 133020.
Paroxysmal extreme pain disorder (PEXPD). Also called: PAIN, SUBMANDIBULAR, OCULAR, AND RECTAL, WITH FLUSHING; RECTAL PAIN, FAMILIAL; SCN9A Paroxysmal Extreme Pain Disorder (SCN9A-PEPD). Identifiers: Orphanet 46348, MedGen C1833661, MONDO:0008179, OMIM 167400.
Channelopathy-associated congenital insensitivity to pain, autosomal recessive. Also called: Insensitivity to pain, channelopathy-associated; ASYMBOLIA FOR PAIN; CONGENITAL ANALGESIA, AUTOSOMAL RECESSIVE. Identifiers: Orphanet 88642, Orphanet 970, MedGen C1855739, MONDO:0009459, OMIM 243000.

Allele frequency attached by ClinVar (database versions not stated): gnomAD 0.00048 and 0.00056; ExAC 0.00059; TOPMed 0.00062; gnomAD exomes 0.00063 and 0.00073; ESP Exome Variant Server 0.00085.
gnomAD v4.1: 1,099 of 1,561,280 alleles (0.07%); highest among the groups gnomAD compares: Non-Finnish European, 0.079%; no homozygotes.

Submissions (17):

CeGaT Center for Human Genetics Tuebingen
Classification: Likely benign. Last evaluated: 2026-06-01. Review status: criteria provided, single submitter. Criteria: CeGaT Center For Human Genetics Tuebingen Variant Classification Criteria Version 2. Collection method: clinical testing. Allele origin: germline. Affected: yes. Observed: 8 variant alleles.
Comment: SCN9A: BP4

Labcorp Genetics (formerly Invitae), Labcorp
Classification: Likely benign for Neuropathy, hereditary sensory and autonomic, type 2A; Generalized epilepsy with febrile seizures plus, type 7. Last evaluated: 2026-01-27. Review status: criteria provided, single submitter. Criteria: Invitae Variant Classification Sherloc (09022015). Collection method: clinical testing. Allele origin: germline.

GeneDx
Classification: Uncertain significance. Last evaluated: 2025-10-21. Review status: criteria provided, single submitter. Criteria: GeneDx Variant Classification Process June 2021. Collection method: clinical testing. Allele origin: germline. Affected: yes.
Comment: Reported in two individuals with Rolandic epilepsy in published literature; however, no additional information was provided (PMID: 29358611); In silico analysis supports that this missense variant has a deleterious effect on protein structure/function; This variant is associated with the following publications: (PMID: 29358611, 30554136)

Pittsburgh Clinical Genomics Laboratory, University of Pittsburgh Medical Center
Classification: Uncertain significance for Primary erythromelalgia. Last evaluated: 2024-04-10. Review status: criteria provided, single submitter. Criteria: ACMG Guidelines, 2015. Collection method: clinical testing. Allele origin: germline. Inheritance: Autosomal unknown. Affected: yes.
Comment: This sequence variant is a single nucleotide substitution (A>G) at position 3002 of the coding sequence of the SCN9A gene that results in a tyrosine to cysteine amino acid change at residue 1001 of the sodium voltage-gated channel alpha subunit 9 protein. The 1001 residue falls in the cytoplasmic domain between domains II and III (PMID: 20635406). This is a previously reported variant (ClinVar 130260) that has been observed in individuals affected by small fiber neuropathy or Rolandic epilepsy (PMID: 30554136, 37079850, 29358611). In addition, this variant has a been observed in unaffected control cohorts (PMID: 29358611). This variant is present in 213 of 356890 alleles (0.0597%) in the gnomAD population dataset. The frequent observation of this variant in a control population may be the result of incomplete penetrance (PMID: 37079850). Multiple bioinformatic tools provide conflicting predictions concerning the impact of this variant, though this residue is highly conserved across the vertebrate species examined. Studies examining the functional consequence of this variant have not been published, to our knowledge. Based upon the evidence, we consider this a variant of uncertain significance. ACMG Criteria:

ARUP Laboratories, Molecular Genetics and Genomics, ARUP Laboratories
Classification: Uncertain significance. Last evaluated: 2024-03-14. Review status: criteria provided, single submitter. Criteria: ARUP Molecular Germline Variant Investigation Process 2024. Collection method: clinical testing. Allele origin: germline.
Comment: The SCN9A c.2969A>G; p.Tyr990Cys variant (rs199692186) is reported in the literature in an individual with small fiber neuropathy however clear disease association was not provided (Eijkenboom 2019), and has also been found in an epilepsy cohort in a case and a control (Bobbili 2018). This variant is reported in ClinVar (Variation ID: 130260). This variant is found in the general population with an overall allele frequency of 0.06% (143/236,408 alleles) in the Genome Aggregation Database (v2.1.1). Computational analyses are uncertain whether this variant is neutral or deleterious (REVEL: 0.493). While the p.Tyr990Cys variant is likely excluded as a pathogenic dominant allele due to the high population frequency, recessive effects of this variant cannot be ruled out. The clinical significance of this variant is uncertain at this time. References: Bobbili DR et al. Exome-wide analysis of mutational burden in patients with typical and atypical Rolandic epilepsy. Eur J Hum Genet. 2018 Feb;26(2):258-264. PMID: 29358611. Eijkenboom I et al. Yield of peripheral sodium channels gene screening in pure small fibre neuropathy. J Neurol Neurosurg Psychiatry. 2019 Mar;90(3):342-352. PMID: 30554136.

Mayo Clinic Laboratories, Mayo Clinic
Classification: Uncertain significance. Last evaluated: 2020-10-12. Review status: criteria provided, single submitter. Criteria: ACMG Guidelines, 2015. Collection method: clinical testing. Allele origin: germline. Observed: 1 variant allele.

Ambry Genetics
Classification: Likely benign for Inborn genetic diseases. Last evaluated: 2019-09-29. Review status: criteria provided, single submitter. Criteria: Ambry Variant Classification Scheme 2023. Collection method: clinical testing. Allele origin: germline.

Illumina Laboratory Services, Illumina
Classification: Benign for Primary erythromelalgia. Last evaluated: 2018-01-12. Review status: criteria provided, single submitter. Criteria: ICSL Variant Classification Criteria 13 December 2019. Collection method: clinical testing. Allele origin: germline.
Comment: This variant was observed in the ICSL laboratory as part of a predisposition screen in an ostensibly healthy population. It had not been previously curated by ICSL or reported in the Human Gene Mutation Database (HGMD: prior to June 1st, 2018), and was therefore a candidate for classification through an automated scoring system. Utilizing variant allele frequency, disease prevalence and penetrance estimates, and inheritance mode, an automated score was calculated to assess if this variant is too frequent to cause the disease. Based on the score and internal cut-off values, a variant classified as benign is not then subjected to further curation. The score for this variant resulted in a classification of benign for this disease.

Illumina Laboratory Services, Illumina
Classification: Uncertain significance for Channelopathy-associated congenital insensitivity to pain, autosomal recessive. Last evaluated: 2018-01-12. Review status: criteria provided, single submitter. Criteria: ICSL Variant Classification Criteria 13 December 2019. Collection method: clinical testing. Allele origin: germline.

Illumina Laboratory Services, Illumina
Classification: Benign for Paroxysmal extreme pain disorder. Last evaluated: 2018-01-12. Review status: criteria provided, single submitter. Criteria: ICSL Variant Classification Criteria 13 December 2019. Collection method: clinical testing. Allele origin: germline.
Comment: the same text as in the submission from Illumina Laboratory Services, Illumina above.

Eurofins Ntd Llc (ga)
Classification: Uncertain significance. Last evaluated: 2016-11-03. Review status: criteria provided, single submitter. Criteria: EGL Classification Definitions 2015. Collection method: clinical testing. Allele origin: germline. Observed: 2 variant alleles, 2 heterozygotes.

Genetic Services Laboratory, University of Chicago
Classification: Uncertain significance. Last evaluated: 2013-08-27. Review status: criteria provided, single submitter. Criteria: ACMG Guidelines, 2007. Collection method: clinical testing. Allele origin: germline. Inheritance: Autosomal dominant inheritance.

PreventionGenetics, part of Exact Sciences
Classification: Likely benign. Review status: criteria provided, single submitter. Criteria: ACMG Guidelines, 2015. Collection method: clinical testing. Allele origin: germline.

Bioinformatics Core, Luxembourg Center for Systems Biomedicine
Classification: Pathogenic for Self-limited epilepsy with centrotemporal spikes. Last evaluated: 2017-01-01. Review status: no assertion criteria provided. Collection method: case-control. Allele origin: germline. Affected: yes. Study: EUROEPINOMICS COGIE. Not counted in ClinVar's aggregate classification.

Clinical Genetics, Academic Medical Center
Classification: Uncertain significance. Review status: no assertion criteria provided. Collection method: clinical testing. Allele origin: germline. Affected: yes. Study: VKGL Data-share Consensus. Not counted in ClinVar's aggregate classification.

Department of Pathology and Laboratory Medicine, Sinai Health System
Classification: Uncertain significance. Review status: no assertion criteria provided. Collection method: clinical testing. Allele origin: unknown. Affected: yes. Study: The Canadian Open Genetics Repository (COGR). Not counted in ClinVar's aggregate classification.
Comment: The SCN9A p.Tyr990Cys variant was identified in 3 of 3192 proband chromosomes (frequency: 0.00094; one compound heterozygote and two heterozygotes) from individuals with peripheral neuropathy (Wadhawan_2017_PMID_29264398; Eijkenboom_2018_PMID_30554136). The variant was identified in dbSNP (ID: rs199692186) and ClinVar (classified as likely benign by PreventionGenetics, Invitae and Illumina, and as uncertain significance by GeneDx, EGL Genetic Diagnostics and Genetic Services Laboratory, University of Chicago, and classified as pathogenic by Bioinformatics Core Luxembourg Center for Systems Biomedicine). The variant was identified in control databases in 143 of 236408 chromosomes at a frequency of 0.0006049 increasing the likelihood this could be a low frequency benign variant (Genome Aggregation Database March 6, 2019, v2.1.1). The variant was observed in the following populations: Ashkenazi Jewish in 35 of 6532 chromosomes (freq: 0.005358), Other in 7 of 5826 chromosomes (freq: 0.001202), European (non-Finnish) in 92 of 113582 chromosomes (freq: 0.00081), European (Finnish) in 5 of 22294 chromosomes (freq: 0.000224), African in 3 of 23534 chromosomes (freq: 0.000128) and South Asian in 1 of 20024 chromosomes (freq: 0.00005), but was not observed in the Latino or East Asian populations. The p.Tyr990 residue is conserved in mammals and computational analyses (PolyPhen-2, SIFT, AlignGVGD, BLOSUM, MutationTaster) provide inconsistent predictions regarding the impact to the protein; this information is not very predictive of pathogenicity. The variant occurs outside of the splicing consensus sequence and in silico or computational prediction software programs (SpliceSiteFinder, MaxEntScan, NNSPLICE, GeneSplicer) do not predict a difference in splicing. In summary, based on the above information the clinical significance of this variant cannot be determined with certainty at this time. This variant is classified as a variant of uncertain significance.

Joint Genome Diagnostic Labs from Nijmegen and Maastricht, Radboudumc and MUMC+
Classification: Uncertain significance. Review status: no assertion criteria provided. Collection method: clinical testing. Allele origin: germline. Affected: yes. Study: VKGL Data-share Consensus. Not counted in ClinVar's aggregate classification.

Literature cited by the submitters: PubMed 20635406 (cited by Pittsburgh Clinical Genomics Laboratory, University of Pittsburgh Medical Center); PubMed 37079850 (cited by Pittsburgh Clinical Genomics Laboratory, University of Pittsburgh Medical Center); PubMed 29358611 (cited by Pittsburgh Clinical Genomics Laboratory, University of Pittsburgh Medical Center and Bioinformatics Core, Luxembourg Center for Systems Biomedicine); PubMed 30554136 (cited by Pittsburgh Clinical Genomics Laboratory, University of Pittsburgh Medical Center).